The following is an entry in ClinVar:

ClinVar aggregate classification (germline): Pathogenic/Likely pathogenic. Review status: criteria provided, multiple submitters, no conflicts (2 of 4 stars). 8 submissions from 8 submitters: Pathogenic (2); Likely pathogenic (5). 1 of the submissions does not count toward it. Last evaluated 2026-01-23.

Conditions:
PMM2-related disorder. Also called: PMM2-related condition.
PMM2-congenital disorder of glycosylation. Also called: JAEKEN SYNDROME; Congenital disorder of glycosylation, type Ia; PHOSPHOMANNOMUTASE 2 DEFICIENCY; CARBOHYDRATE-DEFICIENT GLYCOPROTEIN SYNDROME, TYPE Ia; CDG Ia; PMM2-CDG. Identifiers: Orphanet 79318, MedGen C0349653, MONDO:0008907, OMIM 212065.

Allele frequency attached by ClinVar (database versions not stated): ExAC below 0.00001; TOPMed 0.00004; gnomAD 0.00006 and 0.00007; ESP Exome Variant Server 0.00008; gnomAD exomes 0.00009.
gnomAD v4.1: 69 of 1,564,434 alleles (0.0044%); highest among the groups gnomAD compares: Admixed American, 0.018%; no homozygotes.

Submissions (8):

Natera, Inc.
Classification: Likely pathogenic for Congenital disorder of glycosylation type 1a. Last evaluated: 2026-01-23. Review status: criteria provided, single submitter. Criteria: Natera Variant Classification Schema (03/2026). Collection method: clinical testing. Allele origin: germline.
Comment: The c.359T>C variant in PMM2 is a missense variant predicted to cause substitution of isoleucine to threonine at amino acid 120. This variant is rare in the general population with a frequency below the threshold expected for the associated phenotype(s). This variant has been observed in one or more individuals affected with the associated recessive disease, as either homozygous or compound heterozygous with a second variant (PMID: 23045520, 28425223, 17308246). Computational prediction algorithms indicate this variant is likely to affect gene or protein function. Given the available evidence, this variant is classified as Likely Pathogenic.

GeneDx
Classification: Pathogenic. Last evaluated: 2025-12-23. Review status: criteria provided, single submitter. Criteria: GeneDx Variant Classification Process June 2021. Collection method: clinical testing. Allele origin: germline.
Comment: Published functional studies demonstrate a damaging effect; p.(I120T) severely alters protein folding and/or stability (PMID: 35789514); In silico analysis supports that this missense variant has a deleterious effect on protein structure/function; This variant is associated with the following publications: (PMID: 34426522, 31589614, 19862844, 17308246, 11058895, 28425223, 31980526, 34859900, 23045520, 35308014, 35789514)

Labcorp Genetics (formerly Invitae), Labcorp
Classification: Pathogenic for PMM2-congenital disorder of glycosylation. Last evaluated: 2025-07-30. Review status: criteria provided, single submitter. Criteria: Invitae Variant Classification Sherloc (09022015). Collection method: clinical testing. Allele origin: germline.
Comment: This sequence change replaces isoleucine, which is neutral and non-polar, with threonine, which is neutral and polar, at codon 120 of the PMM2 protein (p.Ile120Thr). This variant is present in population databases (rs368582085, gnomAD 0.03%). This missense change has been observed in individuals with PMM2-CDG (PMID: 17308246, 28425223). ClinVar contains an entry for this variant (Variation ID: 555161). Invitae Evidence Modeling of protein sequence and biophysical properties (such as structural, functional, and spatial information, amino acid conservation, physicochemical variation, residue mobility, and thermodynamic stability) indicates that this missense variant is expected to disrupt PMM2 protein function with a positive predictive value of 95%. For these reasons, this variant has been classified as Pathogenic.

Fulgent Genetics
Classification: Likely pathogenic for PMM2-congenital disorder of glycosylation. Last evaluated: 2024-02-23. Review status: criteria provided, single submitter. Criteria: ACMG Guidelines, 2015. Collection method: clinical testing. Allele origin: germline.

PreventionGenetics, part of Exact Sciences
Classification: Likely pathogenic for PMM2-related condition. Last evaluated: 2023-05-17. Review status: criteria provided, single submitter. Criteria: ACMG Guidelines, 2015. Collection method: clinical testing. Allele origin: germline.
Comment: The PMM2 c.359T>C variant is predicted to result in the amino acid substitution p.Ile120Thr. This variant was reported, along with a second pathogenic variant, in a patient who presented with mild CDG (Vals et al. 2017. PubMed ID: 28425223). This variant was also reported in two other individuals who presented with CDG type Ia; at least one of these individuals also harbored a second known pathogenic variant (Dinopoulos et al. 2007. PubMed ID: 17308246; Matthijs et al. 2000. PubMed ID: 11058895). This variant is reported in 0.028% of alleles in individuals of Latino descent in gnomAD. This variant is interpreted as likely pathogenic.

Women's Health and Genetics/Laboratory Corporation of America, LabCorp
Classification: Likely pathogenic for PMM2-congenital disorder of glycosylation. Last evaluated: 2023-01-18. Review status: criteria provided, single submitter. Criteria: LabCorp Variant Classification Summary - May 2015. Collection method: clinical testing. Allele origin: germline.
Comment: Variant summary: PMM2 c.359T>C (p.Ile120Thr) results in a non-conservative amino acid change in the encoded protein sequence. Five of five in-silico tools predict a damaging effect of the variant on protein function. The variant allele was found at a frequency of 8.6e-05 in 185580 control chromosomes (gnomAD). This frequency is not significantly higher than expected for a pathogenic variant in PMM2 causing Congenital Disorder Of Glycosylation Type 1a (8.6e-05 vs 0.0056), allowing no conclusion about variant significance. c.359T>C has been reported in the literature in the compound heterozygous state in three unrelated individuals affected with Congenital Disorder Of Glycosylation Type 1a (CDG-Ia) and in at least one other individual wherein the presence or absence of a second variant was not indicated (e.g. Matthijs_2000, Dinopoulos_2007, Coorg_2012, Vals_2017). These data indicate that the variant is likely associated with disease. To our knowledge, no experimental evidence demonstrating an impact on protein function has been reported. Three clinical diagnostic laboratories have submitted clinical-significance assessments for this variant to ClinVar after 2014 and classified the variant as either VUS (n=2) or likely pathogenic (n=1). Based on the evidence outlined above, the variant was classified as likely pathogenic.

Blueprint Genetics
Classification: Likely pathogenic for PMM2-related disorders. Last evaluated: 2022-08-08. Review status: criteria provided, single submitter. Criteria: ACMG Guidelines, 2015. Collection method: clinical testing. Allele origin: germline. Affected: yes. Observed: 5 variant alleles.

Counsyl
Classification: Likely pathogenic for PMM2-congenital disorder of glycosylation. Last evaluated: 2017-11-21. Review status: no assertion criteria provided. Collection method: clinical testing. Allele origin: unknown. Not counted in ClinVar's aggregate classification.

Literature cited by the submitters: PubMed 23045520 (cited by 3 submitters); PubMed 28425223 (cited by 4 submitters); PubMed 17308246 (cited by 4 submitters); PubMed 11058895 (cited by Women's Health and Genetics/Laboratory Corporation of America, LabCorp and Counsyl); PubMed 31980526 (cited by Women's Health and Genetics/Laboratory Corporation of America, LabCorp).

NM_000303.3(PMM2):c.359T>C (p.Ile120Thr)

Gene: PMM2 (phosphomannomutase 2; plus strand). Cytogenetic location: 16p13.2.
Variant type: single nucleotide variant.
Coding change: c.359T>C on transcript NM_000303.3 (MANE Select); coding-DNA position 359, T replaced by C.
Protein change: p.Ile120Thr; replaces isoleucine 120 with threonine.
Molecular consequence: missense variant.
Genome position (GRCh38, 1-based): chr16:8,811,090, T>C. VCF-style: chr16-8811090-T-C. GRCh37 (hg19) VCF-style: chr16-8904947-T-C.
Other names: short protein forms I120T.
Identifiers: ClinVar variation 555161 (VCV000555161.25), dbSNP rs368582085, ClinGen allele CA7894036.
Genomic context (GRCh38, chr16:8,811,090, plus strand): 5'-AAATGAATAACGTGTTTTTGGAGAAACTCTGTCACCCTTTCATTCCCAGGGGTACTTTCA[T>C]TGAATTCCGAAATGGGATGTTAAACGTGTCCCCTATTGGAAGAAGCTGCAGCCAAGAAGA-3'
Protein context (NP_000294.1, residues 110-130): IKLPKKRGTF[Ile120Thr]EFRNGMLNVS